The following is an entry in ClinVar:

NM_172351.3(CD46):c.286+1G>C

Gene: CD46 (CD46 molecule; plus strand). Cytogenetic location: 1q32.2.
Variant type: single nucleotide variant.
Coding change: c.286+1G>C on transcript NM_172351.3 (MANE Select); the canonical splice donor site of the intron after coding-DNA position 286, G replaced by C.
Molecular consequence: splice donor variant.
Genome position (GRCh38, 1-based): chr1:207,757,203, G>C. VCF-style: chr1-207757203-G-C. GRCh37 (hg19) VCF-style: chr1-207930548-G-C.
Other names: c.286+1G>C (NM_002389.4, NM_172359.3, NM_153826.4 and 8 more transcripts).
Identifiers: ClinVar variation 1163188 (VCV001163188.12), dbSNP rs1419898630, ClinGen allele CA344548318.
Genomic context (GRCh38, chr1:207,757,203, plus strand): 5'-CCCATACTATTTGTGATCGGAATCATACATGGCTACCTGTCTCAGATGACGCCTGTTATA[G>C]TAAGTAAACAAACCTCTTTTTTTTTTCTGCTTGCTCTAGAGATTTGCATACATTTTGGGG-3'

ClinVar aggregate classification (germline): Pathogenic/Likely pathogenic. Review status: criteria provided, multiple submitters, no conflicts (2 of 4 stars). 5 submissions from 5 submitters: Pathogenic (4); Likely pathogenic (1). Last evaluated 2025-12-04.

Conditions:
CD46-related disorders.
CD46-related atypical hemolytic uremic syndrome.
Atypical hemolytic-uremic syndrome. Identifiers: Orphanet 2134, MedGen C2931788, MONDO:0016244.

Allele frequency attached by ClinVar (database versions not stated): gnomAD exomes below 0.00001 and 0.00001; gnomAD 0.00001.
gnomAD v4.1: 3 of 1,611,084 alleles (0.00019%); highest among the groups gnomAD compares: Admixed American, 0.0033%; no homozygotes.

Submissions (5):

Rady Children's Institute for Genomic Medicine, Rady Children's Hospital San Diego
Classification: Pathogenic for CD46-related atypical hemolytic uremic syndrome. Last evaluated: 2025-12-04. Review status: criteria provided, single submitter. Criteria: ACMG Guidelines, 2015. Collection method: clinical testing. Allele origin: germline. Affected: yes.
Comment: This variant affects the canonical splice donor site of intron 2 and multiple splice prediction tools suggest that this variant interferes with splicing, likely resulting in loss of normal protein function through either protein truncation or nonsense-mediated mRNA decay. RNA-based analysis confirmed that this variant leads to aberrant splicing, including activation of cryptic splice sites (PMID: 18514989). Loss-of-function variation in CD46 is an established mechanism of disease (PMID: 20301541). This variant has been previously reported as a heterozygous (PMID: 27799617, 15661753, 23307876, 26069743) or homozygous (PMID: 18514989, 29500241) change in patients with atypical hemolytic uremic syndrome. A different variant at the same donor splice site (c.286+2T>G) has been previously reported in individuals with atypical hemolytic uremic syndrome (PMID: 16762990, 23431077, 26307634, 26559391). The c.286+1G>C variant is present in the latest version of the gnomAD population database at an allele frequency of 0.0002% (3/1611084) and thus is presumed to be rare. Based on the available evidence, c.286+1G>C is classified as Pathogenic.

Genomenon, Inc
Classification: Pathogenic for Atypical hemolytic-uremic syndrome. Last evaluated: 2025-10-02. Review status: criteria provided, single submitter. Criteria: Genomenon Sequence Variant Interpretation Standards. Collection method: curation. Allele origin: germline. Affected: yes.
Comment: CD46 c.286+1G>C is a canonical splice variant located in the donor splice region in intron 2. At least one splicing study identified that this variant results in aberrant splicing (PMID:18514989). This variant has been observed in at least one proband affected with atypical hemolytic-uremic syndrome (PMID:27799617;26069743;18514989;29500241). It is absent or not present at a significant frequency in gnomAD. In conclusion, we classify CD46 c.286+1G>C as a pathogenic variant.

Labcorp Genetics (formerly Invitae), Labcorp
Classification: Pathogenic. Last evaluated: 2025-09-23. Review status: criteria provided, single submitter. Criteria: Invitae Variant Classification Sherloc (09022015). Collection method: clinical testing. Allele origin: germline.
Comment: This sequence change affects a donor splice site in intron 2 of the CD46 gene. It is expected to disrupt RNA splicing. Variants that disrupt the donor or acceptor splice site typically lead to a loss of protein function (PMID: 16199547), and loss-of-function variants in CD46 are known to be pathogenic (PMID: 16621965, 23431077). This variant is present in population databases (no rsID available, gnomAD 0.003%). Disruption of this splice site has been observed in individual(s) with clinical features of hemolytic uremic syndrome (PMID: 15661753, 23307876). ClinVar contains an entry for this variant (Variation ID: 1163188). Studies have shown that disruption of this splice site alters CD46 gene expression (PMID: 15661753, 26084023). Algorithms developed to predict the effect of sequence changes on RNA splicing suggest that this variant may disrupt the consensus splice site. For these reasons, this variant has been classified as Pathogenic.

Mayo Clinic Laboratories, Mayo Clinic
Classification: Pathogenic. Last evaluated: 2020-02-13. Review status: criteria provided, single submitter. Criteria: ACMG Guidelines, 2015. Collection method: clinical testing. Allele origin: germline. Observed: 1 variant allele.
Comment: PVS1_Strong, PS3, PS4, PM2

Blueprint Genetics
Classification: Likely pathogenic for CD46-related disorders. Last evaluated: 2020-02-04. Review status: criteria provided, single submitter. Criteria: ACMG Guidelines, 2015. Collection method: clinical testing. Allele origin: germline. Affected: yes. Observed: 1 variant allele.

Literature cited by the submitters: PubMed 15661753 (cited by 3 submitters); PubMed 16762990 (cited by Rady Children's Institute for Genomic Medicine, Rady Children's Hospital San Diego); PubMed 18514989 (cited by 3 submitters); PubMed 20301541 (cited by Rady Children's Institute for Genomic Medicine, Rady Children's Hospital San Diego); PubMed 23307876 (cited by 3 submitters); PubMed 23431077 (cited by Rady Children's Institute for Genomic Medicine, Rady Children's Hospital San Diego and Labcorp Genetics (formerly Invitae), Labcorp); PubMed 26069743 (cited by Rady Children's Institute for Genomic Medicine, Rady Children's Hospital San Diego and Genomenon, Inc); PubMed 26307634 (cited by Rady Children's Institute for Genomic Medicine, Rady Children's Hospital San Diego); PubMed 26559391 (cited by Rady Children's Institute for Genomic Medicine, Rady Children's Hospital San Diego); PubMed 27799617 (cited by Rady Children's Institute for Genomic Medicine, Rady Children's Hospital San Diego and Genomenon, Inc); PubMed 29500241 (cited by 3 submitters); PubMed 16199547 (cited by Labcorp Genetics (formerly Invitae), Labcorp); PubMed 16621965 (cited by Labcorp Genetics (formerly Invitae), Labcorp); PubMed 26084023 (cited by Labcorp Genetics (formerly Invitae), Labcorp); PubMed 17089378 (cited by Mayo Clinic Laboratories, Mayo Clinic).